The following is an entry in ClinVar:

ClinVar aggregate classification (germline): Uncertain significance. Review status: criteria provided, multiple submitters, no conflicts (2 of 4 stars). 7 submissions from 7 submitters: Uncertain significance (7). Last evaluated 2026-07-10.

Conditions:
DCTN1-related disorder. Also called: DCTN1-related condition.
Neuronopathy, distal hereditary motor, type 7B. Also called: HMN VIIB; LOWER MOTOR NEURON DISEASE, DYNACTIN TYPE; NEURONOPATHY, DISTAL HEREDITARY MOTOR, AUTOSOMAL DOMINANT 14; NEURONOPATHY, DISTAL HEREDITARY MOTOR, HARDING TYPE VIIB; NEUROPATHY, DISTAL HEREDITARY MOTOR, HARDING TYPE VIIB; NEUROPATHY, DISTAL HEREDITARY MOTOR, WITH VOCAL CORD PARALYSIS, HARDING TYPE VIIB. Identifiers: Orphanet 139589, MedGen C1843315, MONDO:0011879, OMIM 607641.
Perry syndrome. Also called: PARKINSONISM WITH ALVEOLAR HYPOVENTILATION AND MENTAL DEPRESSION. Identifiers: Orphanet 178509, MedGen C1868594, MONDO:0008201, OMIM 168605.
Amyotrophic lateral sclerosis type 1 (ALS1). Also called: AMYOTROPHIC LATERAL SCLEROSIS 1, FAMILIAL. Identifiers: Orphanet 803, MedGen C1862939, MONDO:0007103, OMIM 105400.
Amyotrophic lateral sclerosis (ALS). Also called: Lou Gehrig disease; Charcot disease. Identifiers: Orphanet 803, MedGen C0002736, MONDO:0004976, HP:0007354.

Allele frequency attached by ClinVar (database versions not stated): ExAC 0.00002; gnomAD 0.00004; gnomAD exomes 0.00004 and 0.00008; TOPMed 0.00005; ESP Exome Variant Server 0.00008.
gnomAD v4.1: 128 of 1,614,078 alleles (0.0079%); highest among the groups gnomAD compares: East Asian, 0.025%; no homozygotes.

Submissions (7):

PreventionGenetics, part of Exact Sciences
Classification: Uncertain significance for DCTN1-related condition. Last evaluated: 2026-07-10. Review status: criteria provided, single submitter. Criteria: ACMG Guidelines, 2015. Collection method: clinical testing. Allele origin: germline.
Comment: The DCTN1 c.2339T>C variant is predicted to result in the amino acid substitution p.Ile780Thr. This variant was reported in an individual with dementia with Lewy bodies (Orme et al. 2020. PubMed ID: 31996268) and in an individual with amyotrophic lateral sclerosis (ALS, Supplementary Table 1, Hu et al. 2023. PubMed ID: 37952009). This variant is reported in 0.015% of alleles in individuals of East Asian descent in gnomAD. At this time, the clinical significance of this variant is uncertain due to the absence of conclusive functional and genetic evidence.

Mayo Clinic Laboratories, Mayo Clinic
Classification: Uncertain significance. Last evaluated: 2025-03-05. Review status: criteria provided, single submitter. Criteria: ACMG Guidelines, 2015. Collection method: clinical testing. Allele origin: germline. Observed: 1 variant allele.

Labcorp Genetics (formerly Invitae), Labcorp
Classification: Uncertain significance for Amyotrophic lateral sclerosis type 1; Neuronopathy, distal hereditary motor, type 7B; Perry syndrome. Last evaluated: 2024-12-09. Review status: criteria provided, single submitter. Criteria: Invitae Variant Classification Sherloc (09022015). Collection method: clinical testing. Allele origin: germline.
Comment: This sequence change replaces isoleucine, which is neutral and non-polar, with threonine, which is neutral and polar, at codon 780 of the DCTN1 protein (p.Ile780Thr). The frequency data for this variant in the population databases is considered unreliable, as metrics indicate poor data quality at this position in the gnomAD database. This missense change has been observed in individual(s) with clinical features of DCTN1-related conditions (PMID: 23881933, 31996268, 37952009). ClinVar contains an entry for this variant (Variation ID: 468264). Invitae Evidence Modeling of protein sequence and biophysical properties (such as structural, functional, and spatial information, amino acid conservation, physicochemical variation, residue mobility, and thermodynamic stability) indicates that this missense variant is not expected to disrupt DCTN1 protein function with a negative predictive value of 95%. In summary, the available evidence is currently insufficient to determine the role of this variant in disease. Therefore, it has been classified as a Variant of Uncertain Significance.

Department of Pathology and Laboratory Medicine, Sinai Health System
Classification: Uncertain significance for amyotrophic lateral sclerosis. Last evaluated: 2022-05-05. Review status: criteria provided, single submitter. Criteria: ACMG Guidelines, 2015. Collection method: research. Allele origin: germline.

Laboratorio de Genetica e Diagnostico Molecular, Hospital Israelita Albert Einstein
Classification: Uncertain significance. Last evaluated: 2021-01-28. Review status: criteria provided, single submitter. Criteria: ACMG Guidelines, 2015. Collection method: clinical testing. Allele origin: germline. Affected: yes.
Comment: ACMG classification criteria: BP4

Revvity Omics, Revvity
Classification: Uncertain significance. Last evaluated: 2020-11-17. Review status: criteria provided, single submitter. Criteria: ACMG Guidelines, 2015. Collection method: clinical testing. Allele origin: germline.

Athena Diagnostics
Classification: Uncertain significance. Last evaluated: 2018-01-16. Review status: criteria provided, single submitter. Criteria: Athena Diagnostics Criteria. Collection method: clinical testing. Allele origin: germline.

Literature cited by the submitters: PubMed 23881933 (cited by 3 submitters); PubMed 31996268 (cited by Mayo Clinic Laboratories, Mayo Clinic and Labcorp Genetics (formerly Invitae), Labcorp); PubMed 32439597 (cited by Mayo Clinic Laboratories, Mayo Clinic); PubMed 37952009 (cited by Mayo Clinic Laboratories, Mayo Clinic and Labcorp Genetics (formerly Invitae), Labcorp).

NM_004082.5(DCTN1):c.2339T>C (p.Ile780Thr)

Gene: DCTN1 (dynactin subunit 1; minus strand). Cytogenetic location: 2p13.1.
Variant type: single nucleotide variant.
Coding change: c.2339T>C on transcript NM_004082.5 (MANE Select); coding-DNA position 2339, T replaced by C.
Protein change: p.Ile780Thr; replaces isoleucine 780 with threonine.
Molecular consequence: missense variant. On other transcripts: non-coding transcript variant (1).
Genome position (GRCh38, 1-based): chr2:74,366,910, A>G on the plus strand (T>C on the coding strand, the complement: DCTN1 is on the minus strand). VCF-style: chr2-74366910-A-G. GRCh37 (hg19) VCF-style: chr2-74594037-A-G.
Other names: p.Ile780Thr; c.2279T>C, p.Ile760Thr (NM_001135040.3); c.1937T>C, p.Ile646Thr (NM_001135041.3, NM_023019.4); c.2228T>C, p.Ile743Thr (NM_001190836.2); c.2318T>C, p.Ile773Thr (NM_001190837.2); c.2288T>C, p.Ile763Thr (NM_001378991.1); c.2270T>C, p.Ile757Thr (NM_001378992.1); short protein forms I646T, I780T, I743T, I773T, I760T, I757T, I763T.
Identifiers: ClinVar variation 468264 (VCV000468264.21), dbSNP rs374163967, ClinGen allele CA1721865.